The following is an entry in ClinVar:

ClinVar aggregate classification (germline): Uncertain significance (1 of 4 stars; one submission).

Submission:

CeGaT Center for Human Genetics Tuebingen
Classification: Uncertain significance. Last evaluated: 2024-03-01. Review status: criteria provided, single submitter. Criteria: CeGaT Center For Human Genetics Tuebingen Variant Classification Criteria Version 2. Collection method: clinical testing. Allele origin: germline. Affected: yes. Observed: 1 variant allele.
Comment: KIF21A: PP3

NM_001173464.2(KIF21A):c.3306_3319+1dup

Gene: KIF21A (kinesin family member 21A; minus strand). Cytogenetic location: 12q12.
Variant type: Duplication.
Coding change: c.3306_3319+1dup on transcript NM_001173464.2 (MANE Select); coding-DNA position 3306 through the canonical splice donor site of the intron after coding-DNA position 3319, 15 bases duplicated (CCATGCTTTACAAGG).
Molecular consequence: splice donor variant.
Genome position (GRCh38, 1-based): chr12:39,330,745-39,330,759, CCTTGTAAAGCATGG duplicated on the plus strand (CCATGCTTTACAAGG on the coding strand, the reverse complement: KIF21A is on the minus strand); duplicating any 15 consecutive bases within chr12:39,330,745-39,330,762 gives the same sequence; the c. name uses the placement nearest the transcript's 3' end. VCF-style (leftmost placement, unchanged base first): chr12-39330744-A-ACCTTGTAAAGCATGG. GRCh37 (hg19) VCF-style: chr12-39724546-A-ACCTTGTAAAGCATGG.
Other names: c.3198_3211+1dup (NM_001173465.2); c.3267_3280+1dup (NM_001173463.2, NM_017641.4, NM_001378441.1); c.3306_3319+1dup (NM_001378440.1, NM_001378439.1).
Identifiers: ClinVar variation 3067291 (VCV003067291.21), dbSNP rs752493032, ClinGen allele CA6510575.